The following is an entry in ClinVar:

ClinVar aggregate classification (germline): Uncertain significance (1 of 4 stars; one submission).

Allele frequency attached by ClinVar (database versions not stated): ExAC 0.00001.

Submission:

Labcorp Genetics (formerly Invitae), Labcorp
Classification: Uncertain significance. Last evaluated: 2022-01-26. Review status: criteria provided, single submitter. Criteria: Invitae Variant Classification Sherloc (09022015). Collection method: clinical testing. Allele origin: germline.
Comment: Algorithms developed to predict the effect of missense changes on protein structure and function are either unavailable or do not agree on the potential impact of this missense change (SIFT: "Deleterious"; PolyPhen-2: "Benign"; Align-GVGD: "Class C0"). In summary, the available evidence is currently insufficient to determine the role of this variant in disease. Therefore, it has been classified as a Variant of Uncertain Significance. This variant has not been reported in the literature in individuals affected with PRDX1-related conditions. This variant is present in population databases (rs762370950, gnomAD 0.0009%). This sequence change replaces lysine, which is basic and polar, with threonine, which is neutral and polar, at codon 185 of the PRDX1 protein (p.Lys185Thr).

NM_181697.3(PRDX1):c.554A>C (p.Lys185Thr)

Genes: MMACHC (metabolism of cobalamin associated C; plus strand), PRDX1 (peroxiredoxin 1; minus strand). Cytogenetic location: 1p34.1.
Variant type: single nucleotide variant.
Coding change: c.554A>C on transcript NM_181697.3 (MANE Select); coding-DNA position 554, A replaced by C.
Protein change: p.Lys185Thr; replaces lysine 185 with threonine.
Molecular consequence: missense variant. On other transcripts: 3 prime UTR variant (2).
Genome position (GRCh38, 1-based): chr1:45,511,375, T>G on the plus strand (A>C on the coding strand, the complement: PRDX1 is on the minus strand). VCF-style: chr1-45511375-T-G. GRCh37 (hg19) VCF-style: chr1-45977047-T-G.
Other names: c.*2160T>G (NM_001330540.2, NM_015506.3); c.554A>C, p.Lys185Thr (NM_001202431.2, NM_002574.4, NM_181696.3); short protein forms K185T.
Identifiers: ClinVar variation 1927058 (VCV001927058.5), dbSNP rs762370950, ClinGen allele CA827914.